The following is an entry in ClinVar:

NM_004320.6(ATP2A1):c.883T>C (p.Tyr295His)

Gene: ATP2A1 (ATPase sarcoplasmic/endoplasmic reticulum Ca2+ transporting 1; plus strand). Cytogenetic location: 16p11.2.
Variant type: single nucleotide variant.
Coding change: c.883T>C on transcript NM_004320.6 (MANE Select); coding-DNA position 883, T replaced by C.
Protein change: p.Tyr295His; replaces tyrosine 295 with histidine.
Molecular consequence: missense variant.
Genome position (GRCh38, 1-based): chr16:28,887,677, T>C. VCF-style: chr16-28887677-T-C. GRCh37 (hg19) VCF-style: chr16-28898998-T-C.
Other names: c.508T>C, p.Tyr170His (NM_001286075.2); c.883T>C, p.Tyr295His (NM_173201.5); short protein forms Y170H, Y295H.
Identifiers: ClinVar variation 1481488 (VCV001481488.8), dbSNP rs1478867124, ClinGen allele CA395404163.
Genomic context (GRCh38, chr16:28,887,677, plus strand): 5'-AACATTGGCCACTTCAACGACCCCGTCCATGGGGGCTCCTGGTTCCGCGGGGCCATCTAC[T>C]ACTTTAAGATTGCCGTGGCCTTGGCTGTGGCTGCCATCCCCGAAGGTATGAAAGCCTTTC-3'
Protein context (NP_004311.1, residues 285-305): GGSWFRGAIY[Tyr295His]FKIAVALAVA

ClinVar aggregate classification (germline): Uncertain significance (1 of 4 stars; one submission).

Conditions:
Brody myopathy. Also called: BRODY DISEASE. Identifiers: Orphanet 53347, MedGen C1832918, MONDO:0010977, OMIM 601003.

Allele frequency attached by ClinVar (database versions not stated): gnomAD exomes below 0.00001 and 0.00001.

Submission:

Labcorp Genetics (formerly Invitae), Labcorp
Classification: Uncertain significance for Brody myopathy. Last evaluated: 2022-12-06. Review status: criteria provided, single submitter. Criteria: Invitae Variant Classification Sherloc (09022015). Collection method: clinical testing. Allele origin: germline.
Comment: Algorithms developed to predict the effect of missense changes on protein structure and function are either unavailable or do not agree on the potential impact of this missense change (SIFT: "Deleterious"; PolyPhen-2: "Probably Damaging"; Align-GVGD: "Class C0"). In summary, the available evidence is currently insufficient to determine the role of this variant in disease. Therefore, it has been classified as a Variant of Uncertain Significance. ClinVar contains an entry for this variant (Variation ID: 1481488). This sequence change replaces tyrosine, which is neutral and polar, with histidine, which is basic and polar, at codon 295 of the ATP2A1 protein (p.Tyr295His). This variant is present in population databases (no rsID available, gnomAD 0.0009%). This variant has not been reported in the literature in individuals affected with ATP2A1-related conditions.